The following is an entry in ClinVar:

ClinVar aggregate classification (germline): Pathogenic/Likely pathogenic. Review status: criteria provided, multiple submitters, no conflicts (2 of 4 stars). 2 submissions from 2 submitters: Pathogenic (1); Likely pathogenic (1). Last evaluated 2022-12-15.

Conditions:
Distal myopathy with posterior leg and anterior hand involvement. Also called: WILLIAMS DISTAL MYOPATHY. Identifiers: Orphanet 63273, MedGen C3279722, MONDO:0013550, OMIM 614065.
Hypertrophic cardiomyopathy 26. Also called: Cardiomyopathy, familial hypertrophic, 26. Identifiers: Orphanet 75249, MedGen C4310749, MONDO:0014883, OMIM 617047.
Myofibrillar myopathy 5. Also called: Filaminopathy (type); FILAMINOPATHY, AUTOSOMAL DOMINANT. Identifiers: Orphanet 171445, MedGen C1836050, MONDO:0012289, OMIM 609524.

Submissions (2):

Labcorp Genetics (formerly Invitae), Labcorp
Classification: Pathogenic for Distal myopathy with posterior leg and anterior hand involvement; Myofibrillar myopathy 5; Hypertrophic cardiomyopathy 26. Last evaluated: 2022-12-15. Review status: criteria provided, single submitter. Criteria: Invitae Variant Classification Sherloc (09022015). Collection method: clinical testing. Allele origin: germline.
Comment: This variant has not been reported in the literature in individuals affected with FLNC-related conditions. This variant is not present in population databases (gnomAD no frequency). This sequence change creates a premature translational stop signal (p.Glu617*) in the FLNC gene. It is expected to result in an absent or disrupted protein product. Loss-of-function variants in FLNC are known to be pathogenic (PMID: 27908349). For these reasons, this variant has been classified as Pathogenic.

Clinical Genetics Service, Universitary Hospital 12 de Octubre
Classification: Likely pathogenic for Hypertrophic cardiomyopathy 26. Review status: criteria provided, single submitter. Criteria: ACMG Guidelines, 2015. Collection method: clinical testing. Allele origin: germline. Affected: yes.

Literature cited by the submitters: PubMed 27908349 (cited by Labcorp Genetics (formerly Invitae), Labcorp).

NM_001458.5(FLNC):c.1849G>T (p.Glu617Ter)

Gene: FLNC (filamin C; plus strand). Cytogenetic location: 7q32.1.
Variant type: single nucleotide variant.
Coding change: c.1849G>T on transcript NM_001458.5 (MANE Select); coding-DNA position 1849, G replaced by T.
Protein change: p.Glu617Ter; replaces glutamic acid 617 with a stop codon.
Molecular consequence: nonsense.
Genome position (GRCh38, 1-based): chr7:128,841,205, G>T. VCF-style: chr7-128841205-G-T. GRCh37 (hg19) VCF-style: chr7-128481259-G-T.
Other names: c.1849G>T, p.Glu617Ter (NM_001127487.2); short protein forms E617*.
Identifiers: ClinVar variation 2029632 (VCV002029632.5), dbSNP rs773961444, ClinGen allele CA369227205.